The following is an entry in ClinVar:

NM_000238.4(KCNH2):c.2719G>T (p.Ala907Ser)

Gene: KCNH2 (potassium voltage-gated channel subfamily H member 2; minus strand). Cytogenetic location: 7q36.1.
Variant type: single nucleotide variant.
Coding change: c.2719G>T on transcript NM_000238.4 (MANE Select); coding-DNA position 2719, G replaced by T.
Protein change: p.Ala907Ser; replaces alanine 907 with serine.
Molecular consequence: missense variant.
Genome position (GRCh38, 1-based): chr7:150,947,852, C>A on the plus strand (G>T on the coding strand, the complement: KCNH2 is on the minus strand). VCF-style: chr7-150947852-C-A. GRCh37 (hg19) VCF-style: chr7-150644940-C-A.
Other names: c.1699G>T, p.Ala567Ser (NM_172057.3); short protein forms A907S, A567S.
Identifiers: ClinVar variation 834753 (VCV000834753.15), dbSNP rs752686806, ClinGen allele CA034631.

ClinVar aggregate classification (germline): Uncertain significance. Review status: criteria provided, multiple submitters, no conflicts (2 of 4 stars). 2 submissions from 2 submitters: Uncertain significance (2). Last evaluated 2025-07-14.

Conditions:
Cardiac arrhythmia. Also called: Arrhythmia; Cardiac rhythm disease. Identifiers: MedGen C0003811, MONDO:0007263, HP:0011675.
Long QT syndrome (LQTS). Identifiers: MedGen C0023976, MeSH D008133, MONDO:0002442. Disease mechanism: loss of function. Inheritance: Various modes of inheritance.

Allele frequency attached by ClinVar (database versions not stated): ExAC below 0.00001; TOPMed below 0.00001.

Submissions (2):

Labcorp Genetics (formerly Invitae), Labcorp
Classification: Uncertain significance for Long QT syndrome. Last evaluated: 2025-07-14. Review status: criteria provided, single submitter. Criteria: Invitae Variant Classification Sherloc (09022015). Collection method: clinical testing. Allele origin: germline.
Comment: This sequence change replaces alanine, which is neutral and non-polar, with serine, which is neutral and polar, at codon 907 of the KCNH2 protein (p.Ala907Ser). This variant is not present in population databases (gnomAD no frequency). This variant has not been reported in the literature in individuals affected with KCNH2-related conditions. ClinVar contains an entry for this variant (Variation ID: 834753). An algorithm developed to predict the effect of missense changes on protein structure and function outputs the following: PolyPhen-2: "Benign". The serine amino acid residue is found in multiple mammalian species, which suggests that this missense change does not adversely affect protein function. In summary, the available evidence is currently insufficient to determine the role of this variant in disease. Therefore, it has been classified as a Variant of Uncertain Significance.

Color Diagnostics, LLC DBA Color Health
Classification: Uncertain significance for Cardiac arrhythmia. Last evaluated: 2024-03-06. Review status: criteria provided, single submitter. Criteria: ACMG Guidelines, 2015. Collection method: clinical testing. Allele origin: germline.
Comment: This missense variant replaces alanine with serine at codon 907 of the KCNH2 protein. Computational prediction suggests that this variant may not impact protein structure and function (internally defined REVEL score threshold <= 0.5, PMID: 27666373). To our knowledge, functional studies have not been reported for this variant. This variant has not been reported in individuals affected with cardiovascular disorders in the literature. This variant has not been identified in the general population by the Genome Aggregation Database (gnomAD). The available evidence is insufficient to determine the role of this variant in disease conclusively. Therefore, this variant is classified as a Variant of Uncertain Significance.